The following is an entry in ClinVar:

NM_001004127.3(ALG11):c.983AGA[1] (p.Lys329del)

Genes: ALG11 (ALG11 alpha-1,2-mannosyltransferase; plus strand), UTP14C (UTP14C small subunit processome component; plus strand). Cytogenetic location: 13q14.3.
Variant type: Microsatellite.
Coding change: c.983AGA[1] on transcript NM_001004127.3 (MANE Select); one copy of the 3-base unit AGA starting at c.983; the reference has two copies in a row; one copy, 3 bases deleted; also written c.986_988del.
Protein change: p.Lys329del; deletes lysine 329.
Molecular consequence: inframe deletion. On other transcripts: 5 prime UTR variant (1).
Genome position (GRCh38, 1-based): chr13:52,024,716-52,024,718, AGA deleted; deleting any 3 consecutive bases within chr13:52,024,712-52,024,718 gives the same sequence; the position shown is the placement nearest the transcript's 3' end. VCF-style (leftmost placement, unchanged base first): chr13-52024711-TAAG-T. GRCh37 (hg19) VCF-style: chr13-52598847-TAAG-T.
Other names: c.986_988delAGA (NM_001004127.2); c.986_988del (NM_001004127.3, NM_001004127.2); c.-711AGA[1] (NM_021645.6); short protein forms K329del.
Identifiers: ClinVar variation 420418 (VCV000420418.8), dbSNP rs1064794465, ClinGen allele CA16619816.

ClinVar aggregate classification (germline): Conflicting classifications of pathogenicity. Review status: criteria provided, conflicting classifications (1 of 4 stars). 3 submissions from 3 submitters: Pathogenic (1); Uncertain significance (1). 1 of the submissions does not count toward it. Last evaluated 2025-11-11.

Conditions:
ALG11-congenital disorder of glycosylation. Also called: CONGENITAL DISORDER OF GLYCOSYLATION, TYPE Ip; ALG11-CDG. Identifiers: Orphanet 280071, MedGen C3150913, MONDO:0013349, OMIM 613661.

Submissions (3):

GeneDx
Classification: Pathogenic. Last evaluated: 2025-11-11. Review status: criteria provided, single submitter. Criteria: GeneDx Variant Classification Process June 2021. Collection method: clinical testing. Allele origin: germline. Affected: yes.
Comment: Not observed at significant frequency in large population cohorts (gnomAD); In-frame deletion of 1 amino acid in a non-repeat region; In silico analysis supports a deleterious effect on protein structure/function; This variant is associated with the following publications: (PMID: 28122681, 31487502)

Greenwood Genetic Center Diagnostic Laboratories, Greenwood Genetic Center
Classification: Uncertain significance. Last evaluated: 2022-08-29. Review status: criteria provided, single submitter. Criteria: ACMG Guidelines, 2015. Collection method: clinical testing. Allele origin: germline. Affected: yes.
Comment: PM4, PM2, PM3_Supporting

Genomics England Pilot Project, Genomics England
Classification: Likely pathogenic for ALG11-congenital disorder of glycosylation. Review status: no assertion criteria provided. Criteria: ACGS Guidelines, 2016. Collection method: clinical testing. Allele origin: germline. Affected: yes. Not counted in ClinVar's aggregate classification.